The following is an entry in ClinVar:

NM_000350.3(ABCA4):c.3874C>T (p.Gln1292Ter)

Gene: ABCA4 (ATP binding cassette subfamily A member 4; minus strand). Cytogenetic location: 1p22.1.
Variant type: single nucleotide variant.
Coding change: c.3874C>T on transcript NM_000350.3 (MANE Select); coding-DNA position 3874, C replaced by T.
Protein change: p.Gln1292Ter; replaces glutamine 1292 with a stop codon.
Molecular consequence: nonsense.
Genome position (GRCh38, 1-based): chr1:94,032,032, G>A on the plus strand (C>T on the coding strand, the complement: ABCA4 is on the minus strand). VCF-style: chr1-94032032-G-A. GRCh37 (hg19) VCF-style: chr1-94497588-G-A.
Other names: c.3652C>T, p.Gln1218Ter (NM_001425324.1); short protein forms Q1292*, Q1218*.
Identifiers: ClinVar variation 99244 (VCV000099244.8), dbSNP rs61752426, ClinGen allele CA227143.

ClinVar aggregate classification (germline): Pathogenic. Review status: criteria provided, single submitter (1 of 4 stars). 2 submissions from 2 submitters: Pathogenic (1). 1 of the submissions does not count toward it. Last evaluated 2024-02-07.

Allele frequency attached by ClinVar (database versions not stated): gnomAD exomes below 0.00001; ExAC 0.00001; gnomAD 0.00001.
gnomAD v4.1: 3 of 1,611,622 alleles (0.00019%); highest among the groups gnomAD compares: Non-Finnish European, 0.00025%; no homozygotes.

Submissions (2):

Labcorp Genetics (formerly Invitae), Labcorp
Classification: Pathogenic. Last evaluated: 2024-02-07. Review status: criteria provided, single submitter. Criteria: Invitae Variant Classification Sherloc (09022015). Collection method: clinical testing. Allele origin: germline.
Comment: This sequence change creates a premature translational stop signal (p.Gln1292*) in the ABCA4 gene. It is expected to result in an absent or disrupted protein product. Loss-of-function variants in ABCA4 are known to be pathogenic (PMID: 10958761, 24938718, 25312043, 26780318). This variant is present in population databases (rs61752426, gnomAD 0.002%). This premature translational stop signal has been observed in individual(s) with ABCA4-related conditions (PMID: 23755871, 32619608). This variant is also known as p.Gln1292X. ClinVar contains an entry for this variant (Variation ID: 99244). For these reasons, this variant has been classified as Pathogenic.

Retina International
No classification provided. Review status: no classification provided. Collection method: not provided. Allele origin: not provided. Not counted in ClinVar's aggregate classification.

Literature cited by the submitters: PubMed 10958761 (cited by Labcorp Genetics (formerly Invitae), Labcorp); PubMed 24938718 (cited by Labcorp Genetics (formerly Invitae), Labcorp); PubMed 25312043 (cited by Labcorp Genetics (formerly Invitae), Labcorp); PubMed 26780318 (cited by Labcorp Genetics (formerly Invitae), Labcorp); PubMed 23755871 (cited by Labcorp Genetics (formerly Invitae), Labcorp); PubMed 32619608 (cited by Labcorp Genetics (formerly Invitae), Labcorp).